The following is an entry in ClinVar:

NM_007254.4(PNKP):c.1282G>A (p.Ala428Thr)

Gene: PNKP (polynucleotide kinase 3'-phosphatase; minus strand). Cytogenetic location: 19q13.33.
Variant type: single nucleotide variant.
Coding change: c.1282G>A on transcript NM_007254.4 (MANE Select); coding-DNA position 1282, G replaced by A.
Protein change: p.Ala428Thr; replaces alanine 428 with threonine.
Molecular consequence: missense variant.
Genome position (GRCh38, 1-based): chr19:49,861,788, C>T on the plus strand (G>A on the coding strand, the complement: PNKP is on the minus strand). VCF-style: chr19-49861788-C-T. GRCh37 (hg19) VCF-style: chr19-50365045-C-T.
Other names: short protein forms A428T.
Identifiers: ClinVar variation 1333033 (VCV001333033.4), dbSNP rs1568659088, ClinGen allele CA406933398.

ClinVar aggregate classification (germline): Uncertain significance. Review status: criteria provided, multiple submitters, no conflicts (2 of 4 stars). 2 submissions from 2 submitters: Uncertain significance (2). Last evaluated 2022-07-13.

Conditions:
Microcephaly, seizures, and developmental delay. Identifiers: Orphanet 1934, MedGen C3150667, MONDO:0013254, OMIM 613402.

Allele frequency attached by ClinVar (database versions not stated): gnomAD exomes 0.00001; TOPMed 0.00001.
gnomAD v4.1: 37 of 1,565,882 alleles (0.0024%); highest among the groups gnomAD compares: Non-Finnish European, 0.0028%; no homozygotes.

Submissions (2):

GeneDx
Classification: Uncertain significance. Last evaluated: 2022-07-13. Review status: criteria provided, single submitter. Criteria: GeneDx Variant Classification Process June 2021. Collection method: clinical testing. Allele origin: germline. Affected: yes.
Comment: Not observed at significant frequency in large population cohorts (gnomAD); In silico analysis supports that this missense variant does not alter protein structure/function; Has not been previously published as pathogenic or benign to our knowledge; This variant is associated with the following publications: (PMID: 22508754)

New York Genome Center
Classification: Uncertain significance for Microcephaly, seizures, and developmental delay. Last evaluated: 2020-06-25. Review status: criteria provided, single submitter. Criteria: NYGC Assertion Criteria 2020. Collection method: clinical testing. Allele origin: germline. Observed: 1 heterozygote. Study: CSER-NYCKidSeq.